The following is an entry in ClinVar:

ClinVar aggregate classification (germline): Conflicting classifications of pathogenicity. Review status: criteria provided, conflicting classifications (1 of 4 stars). 10 submissions from 10 submitters: Uncertain significance (4); Benign (1); Likely benign (4). 1 of the submissions does not count toward it. Last evaluated 2026-09-24.

Conditions:
Ullrich congenital muscular dystrophy 1A. Also called: Ullrich congenital muscular dystrophy 1; Intermediate COL6-RD. Identifiers: Orphanet 75840, MedGen C0410179, MONDO:0009681, OMIM 254090.
Bethlem myopathy 1A. Also called: MYOPATHY, BENIGN CONGENITAL, WITH CONTRACTURES; Bethlem myopathy 1; Bethlem Muscular Dystrophy. Identifiers: Orphanet 610, MedGen CN029274, MONDO:0024530, OMIM 158810.
Myosclerosis. Also called: MYOPATHY, MYOSCLEROTIC; MYOSCLEROSIS, CONGENITAL, OF LOWENTHAL; Myosclerosis, congenital. Identifiers: Orphanet 289380, MedGen C1850671, MONDO:0009714, OMIM 255600.
Bethlem myopathy 1B (BTHLM1B). Identifiers: MedGen C5935580, MONDO:0958233, OMIM 620725.
Ullrich congenital muscular dystrophy 1B (UCMD1B). Identifiers: MedGen C5935582, MONDO:0958235, OMIM 620727.
Limb-girdle muscular dystrophy (LGMD). Also called: Muscular Dystrophies, Limb-Girdle. Identifiers: Orphanet 263, MedGen C0686353, MeSH D049288, MONDO:0016971, HP:0006785.
Collagen 6-related myopathy. Identifiers: MedGen CN117976, MONDO:0100225.
Tip-toe gait. Also called: Toe walking. Identifiers: MedGen C0427144, HP:0030051.

Allele frequency attached by ClinVar (database versions not stated): 1000 Genomes Project 30x 0.00047; 1000 Genomes Project 0.00060; ExAC 0.00098; gnomAD 0.00115 and 0.00118; TOPMed 0.00115; ESP Exome Variant Server 0.00146.
gnomAD v4.1: 2,882 of 1,611,200 alleles (0.18%); highest among the groups gnomAD compares: Non-Finnish European, 0.23%; 3 homozygotes.

Submissions 1 to 12 of 19:

GeneDx
Classification: Uncertain significance. Last evaluated: 2026-09-24. Review status: criteria provided, single submitter. Criteria: GeneDx Variant Classification Process June 2021. Collection method: clinical testing. Allele origin: germline.
Comment: Identified in five patients with limb-girdle muscular dystrophy type 1A who were heterozygous for this variant and did not have a second COL6A2 variant; however, information regarding parental testing was not provided (PMID: 30564623); Reported previously as a variant of uncertain significance in a patient with progressive muscle weakness in all extremities, who also had a pathogenic variant in the VCP gene and received a diagnosis of VCP myopathy (PMID: 33567613); In silico analysis supports a deleterious effect on splicing; This variant is associated with the following publications: (PMID: 24907562, 27656840, 15689448, 30564623, 33567613, 37569848, 27159402)

CeGaT Center for Human Genetics Tuebingen
Classification: Likely benign. Last evaluated: 2026-06-01. Review status: criteria provided, single submitter. Criteria: CeGaT Center For Human Genetics Tuebingen Variant Classification Criteria Version 2. Collection method: clinical testing. Allele origin: germline. Affected: yes. Observed: 5 variant alleles.
Comment: COL6A2: PP3, BS1

Dasa
Classification: Benign. Last evaluated: 2026-02-26. Review status: criteria provided, single submitter. Criteria: DASA Assertion Criteria. Collection method: clinical testing. Allele origin: germline.
Comment: NM_001849.4(COL6A2):c.1970-3C>A is a splice-region variant. Population frequency is inconsistent with a disease-causing role for this variant, and observations in unaffected individuals support a benign interpretation. Therefore, based on the currently available evidence, this variant is classified as benign.

Labcorp Genetics (formerly Invitae), Labcorp
Classification: Likely benign for Bethlem myopathy 1A. Last evaluated: 2026-01-17. Review status: criteria provided, single submitter. Criteria: Invitae Variant Classification Sherloc (09022015). Collection method: clinical testing. Allele origin: germline.

Women's Health and Genetics/Laboratory Corporation of America, LabCorp
Classification: Likely benign. Last evaluated: 2025-05-28. Review status: criteria provided, single submitter. Criteria: LabCorp Variant Classification Summary - May 2015. Collection method: clinical testing. Allele origin: germline.
Comment: Variant summary: COL6A2 c.1970-3C>A alters a conserved nucleotide located close to a canonical splice site and therefore could affect mRNA splicing, leading to a significantly altered protein sequence. Several computational tools predict a significant impact on normal splicing: Two predict the variant weakens a 3' acceptor site. Two predict the variant abolishes a 3' acceptor site. However, these predictions have yet to be confirmed by functional studies. The variant allele was found at a frequency of 0.0018 in 1611200 control chromosomes, predominantly at a frequency of 0.0023 within the Non-Finnish European subpopulation in the gnomAD database, including 3 homozygotes. This frequency is not significantly higher than estimated for a pathogenic variant in COL6A2 causing Ullrich congenital muscular dystrophy 1-AR (0.0018 vs 0.0035), allowing no conclusion about variant significance. However, the presence of homozygous controls is not consistent with the early onset/severe presentation of the recessive condition associated with COL6A2 (Ullrich congenital muscular dystrophy), providing benign evidence. c.1970-3C>A has been observed in the heterozygous state in multiple individual(s) affected with various muscular dystrophy presentations, all without strong evidence for causality due to this variant exceeding the maximum expected pathogenic allele frequency for dominant COL6A2-related conditions or an alternate explanation for disease (example, Lampe_2005, Foley_2013, Bazrafshan_2021, O'Grady_2016, Nallamilli_2018). These report(s) do not provide unequivocal conclusions about association of the variant with COL6A2-related conditions. To our knowledge, no experimental evidence demonstrating an impact on protein function has been reported. The following publications have been ascertained in the context of this evaluation (PMID: 15689448, 24271325, 33567613, 27159402, 30564623). ClinVar contains an entry for this variant (Variation ID: 93927). Based on the evidence outlined above, the variant was classified as likely benign.

Department of Pathology and Laboratory Medicine, Sinai Health System
Classification: Uncertain significance for Myosclerosis; Bethlem myopathy 1B; Ullrich congenital muscular dystrophy 1B. Last evaluated: 2020-05-25. Review status: criteria provided, single submitter. Criteria: ACMG Guidelines, 2015. Collection method: research. Allele origin: germline.

Cambridge Genomics Laboratory, East Genomic Laboratory Hub, NHS Genomic Medicine Service
Classification: Uncertain significance for Limb-girdle muscular dystrophy. Last evaluated: 2020-04-28. Review status: criteria provided, single submitter. Criteria: ACGS Best Practice Guidelines for Variant Classification in Rare Disease 2020. Collection method: clinical testing. Allele origin: germline. Affected: yes. Observed: 1 variant allele.

Eurofins Ntd Llc (ga)
Classification: Uncertain significance. Last evaluated: 2018-01-25. Review status: criteria provided, single submitter. Criteria: EGL Classification Definitions 2015. Collection method: clinical testing. Allele origin: germline. Observed: 20 variant alleles, 20 heterozygotes.

Illumina Laboratory Services, Illumina
Classification: Likely benign for Collagen VI-related myopathy. Last evaluated: 2017-04-27. Review status: criteria provided, single submitter. Criteria: ICSL Variant Classification Criteria 13 December 2019. Collection method: clinical testing. Allele origin: germline.
Comment: This variant was observed as part of a predisposition screen in an ostensibly healthy population. A literature search was performed for the gene, cDNA change, and amino acid change (where applicable). Publications were found based on this search. The evidence from the literature, in combination with allele frequency data from public databases where available, was sufficient to determine this variant is unlikely to cause disease. Therefore, this variant is classified as likely benign.

Practice for Gait Abnormalities, David Pomarino, Competency Network Toe Walking C/o Practice Pomarino
Classification: Likely pathogenic for Tip-toe gait. Last evaluated: 2022-02-14. Review status: no assertion criteria provided. Collection method: clinical testing. Allele origin: germline. Affected: yes. Not counted in ClinVar's aggregate classification.
Comment: Myopathy refers to diseases that affect skeletal Muscles. These diseases attack muscle fibers, making muscles weak. Inherited myopathies are often caused by inheriting an abnormal gene mutation from a parent that causes the disease. Symptoms of congenital myopathies usually start at birth or in early childhood, but may not appear until the teen years or even later in adulthood. Congenital myopathies are somewhat unique compared with other inherited myopathies, as weakness typically affects all muscles and is often not progressive. Symptoms are: Muscle weakness, most commonly of upper arms and shoulders and thighs, muscle cramps, stiffness and spasms, fatigue with exertion and lack of energy. Our patients all walk on tiptoe, so they show similar symptoms. When we genetically test them with our toe walking panel, we find that around 90 per cent of them have a genetic variant that explains their toe walking. These can be assigned, for example, to the area of myopathies (such as variants of the COL6A3 gene), the area of hereditary neuropathies (such as variants of the KMT2C gene) or the area of metabolic diseases (such as variants of the PYGM gene). In a smaller group of patients with almost identical symptoms, no abnormality is found in the genes of our panel, but spastic paraplegia can be detected. In another small group of our toe walkers, no abnormalities can be detected in the genes analysed in our toe walking panel, nor do they suffer from spastic paraplegia, as is also the case with healthy children. In contrast to these, however, they show a tiptoe gait. These patients suffer from infantile cerebral palsy, in which toe walking can also be observed.

Dr. Peter K. Rogan Lab, Western University
No classification provided (evidence only). Condition: Lung cancer. Review status: no classification provided. Collection method: in vitro. Allele origin: not applicable. Functional consequence: retained intron. Not counted in ClinVar's aggregate classification.

Dr. Peter K. Rogan Lab, Western University
No classification provided (evidence only). Condition: Melanoma. Review status: no classification provided. Collection method: in vitro. Allele origin: not applicable. Functional consequence: retained intron. Not counted in ClinVar's aggregate classification.

NM_001849.4(COL6A2):c.1970-3C>A

Gene: COL6A2 (collagen type VI alpha 2 chain; plus strand). Cytogenetic location: 21q22.3.
Variant type: single nucleotide variant.
Coding change: c.1970-3C>A on transcript NM_001849.4 (MANE Select); 3 bases into the intron before coding-DNA position 1970, C replaced by A.
Molecular consequence: intron variant.
Genome position (GRCh38, 1-based): chr21:46,125,782, C>A. VCF-style: chr21-46125782-C-A. GRCh37 (hg19) VCF-style: chr21-47545696-C-A.
Other names: c.1970-3C>A (NM_058175.3, NM_058174.3).
Identifiers: ClinVar variation 93927 (VCV000093927.73), dbSNP rs201879417, ClinGen allele CA221815.